The following is an entry in ClinVar:

NM_000455.5(STK11):c.373A>G (p.Met125Val)

Gene: STK11 (serine/threonine kinase 11; plus strand). Cytogenetic location: 19p13.3.
Variant type: single nucleotide variant.
Coding change: c.373A>G on transcript NM_000455.5 (MANE Select); coding-DNA position 373, A replaced by G.
Protein change: p.Met125Val; replaces methionine 125 with valine.
Molecular consequence: missense variant.
Genome position (GRCh38, 1-based): chr19:1,218,499, A>G. VCF-style: chr19-1218499-A-G. GRCh37 (hg19) VCF-style: chr19-1218498-A-G.
Other names: short protein forms M125V.
Identifiers: ClinVar variation 1469433 (VCV001469433.6), dbSNP rs2145420870, ClinGen allele CA402947950.

ClinVar aggregate classification (germline): Uncertain significance (1 of 4 stars; one submission).

Conditions:
Peutz-Jeghers syndrome (PJS). Also called: Peutz-Jeghers polyposis; Periorificial lentiginosis syndrome; POLYPOSIS, HAMARTOMATOUS INTESTINAL; POLYPS-AND-SPOTS SYNDROME. Identifiers: Orphanet 2869, MedGen C0031269, MeSH D010580, MONDO:0008280, OMIM 175200.

Allele frequency attached by ClinVar (database versions not stated): gnomAD exomes 0.00001.

Submission:

Labcorp Genetics (formerly Invitae), Labcorp
Classification: Uncertain significance for Peutz-Jeghers syndrome. Last evaluated: 2022-09-20. Review status: criteria provided, single submitter. Criteria: Invitae Variant Classification Sherloc (09022015). Collection method: clinical testing. Allele origin: germline.
Comment: This variant has not been reported in the literature in individuals affected with STK11-related conditions. In summary, the available evidence is currently insufficient to determine the role of this variant in disease. Therefore, it has been classified as a Variant of Uncertain Significance. Algorithms developed to predict the effect of sequence changes on RNA splicing suggest that this variant may create or strengthen a splice site. Algorithms developed to predict the effect of missense changes on protein structure and function (SIFT, PolyPhen-2, Align-GVGD) all suggest that this variant is likely to be tolerated. ClinVar contains an entry for this variant (Variation ID: 1469433). This variant is not present in population databases (gnomAD no frequency). This sequence change replaces methionine, which is neutral and non-polar, with valine, which is neutral and non-polar, at codon 125 of the STK11 protein (p.Met125Val).